The following is an entry in ClinVar:

NM_017433.5(MYO3A):c.1324C>A (p.His442Asn)

Gene: MYO3A (myosin IIIA; plus strand). Cytogenetic location: 10p12.1.
Variant type: single nucleotide variant.
Coding change: c.1324C>A on transcript NM_017433.5 (MANE Select); coding-DNA position 1324, C replaced by A.
Protein change: p.His442Asn; replaces histidine 442 with asparagine.
Molecular consequence: missense variant.
Genome position (GRCh38, 1-based): chr10:26,070,366, C>A. VCF-style: chr10-26070366-C-A. GRCh37 (hg19) VCF-style: chr10-26359295-C-A.
Other names: short protein forms H442N.
Identifiers: ClinVar variation 1303213 (VCV001303213.2), dbSNP rs142415484, ClinGen allele CA5444635.

ClinVar aggregate classification (germline): Uncertain significance (1 of 4 stars; one submission).

Allele frequency attached by ClinVar (database versions not stated): 1000 Genomes Project 30x 0.00031; 1000 Genomes Project 0.00040.
gnomAD v4.1: 269 of 1,613,180 alleles (0.017%); highest among the groups gnomAD compares: East Asian, 0.59%; 2 homozygotes.

Submission:

GeneDx
Classification: Uncertain significance. Last evaluated: 2021-02-12. Review status: criteria provided, single submitter. Criteria: GeneDx Variant Classification Process June 2021. Collection method: clinical testing. Allele origin: germline. Affected: yes.
Comment: Identified in patients with hearing loss and in a control population in published literature; additional patient-specific information was not provided (Miyagawa et al., 2013); In silico analysis supports that this missense variant does not alter protein structure/function; This variant is associated with the following publications: (PMID: 23967202, 30245029)